The following is an entry in ClinVar:

ClinVar aggregate classification (germline): Pathogenic/Likely pathogenic. Review status: criteria provided, multiple submitters, no conflicts (2 of 4 stars). 4 submissions from 4 submitters: Pathogenic (2); Likely pathogenic (2). Last evaluated 2025-12-17.

Conditions:
Gnathodiaphyseal dysplasia (GDD). Also called: GNATHODIAPHYSEAL SCLEROSIS; OSTEOGENESIS IMPERFECTA WITH UNUSUAL SKELETAL LESIONS. Identifiers: Orphanet 53697, MedGen C1833736, MONDO:0008151, OMIM 166260.
Autosomal recessive limb-girdle muscular dystrophy type 2L (LGMDR12). Also called: MUSCULAR DYSTROPHY, LIMB-GIRDLE, AUTOSOMAL RECESSIVE 12; Limb-Girdle Muscular Dystrophy R12 Anoctamin-5-Related (LGMD-R12); Limb-girdle muscular dystrophy, type 2L. Identifiers: Orphanet 206549, MedGen C1969785, MONDO:0012652, OMIM 611307.

gnomAD v4.1: 4 of 1,613,758 alleles (0.00025%); highest among the groups gnomAD compares: Admixed American, 0.0017%; no homozygotes.

Submissions (4):

Labcorp Genetics (formerly Invitae), Labcorp
Classification: Pathogenic for Autosomal recessive limb-girdle muscular dystrophy type 2L; Gnathodiaphyseal dysplasia. Last evaluated: 2025-12-17. Review status: criteria provided, single submitter. Criteria: Invitae Variant Classification Sherloc (09022015). Collection method: clinical testing. Allele origin: germline.
Comment: This sequence change creates a premature translational stop signal (p.Tyr589*) in the ANO5 gene. It is expected to result in an absent or disrupted protein product. Loss-of-function variants in ANO5 are known to be pathogenic (PMID: 21186264, 23606453, 25891276, 30919934). This variant is present in population databases (no rsID available, gnomAD 0.003%). This premature translational stop signal has been observed in individual(s) with ANO5-related conditions (PMID: 39678382). ClinVar contains an entry for this variant (Variation ID: 502588). Algorithms developed to predict the effect of sequence changes on RNA splicing suggest that this variant may disrupt the consensus splice site. For these reasons, this variant has been classified as Pathogenic.

Revvity Omics, Revvity
Classification: Likely pathogenic. Last evaluated: 2023-08-30. Review status: criteria provided, single submitter. Criteria: ACMG Guidelines, 2015. Collection method: clinical testing. Allele origin: germline.

NeuroMeGen, Hospital Clinico Santiago de Compostela
Classification: Likely pathogenic for Autosomal recessive limb-girdle muscular dystrophy type 2L. Last evaluated: 2018-10-08. Review status: criteria provided, single submitter. Criteria: ACMG Guidelines, 2015. Collection method: clinical testing. Allele origin: unknown. Affected: yes. Observed: 1 heterozygote.

Eurofins Ntd Llc (ga)
Classification: Pathogenic. Last evaluated: 2017-06-16. Review status: criteria provided, single submitter. Criteria: EGL Classification Definitions 2015. Collection method: clinical testing. Allele origin: germline. Observed: 1 variant allele, 1 heterozygote.

Literature cited by the submitters: PubMed 21186264 (cited by Labcorp Genetics (formerly Invitae), Labcorp); PubMed 23606453 (cited by Labcorp Genetics (formerly Invitae), Labcorp); PubMed 25891276 (cited by Labcorp Genetics (formerly Invitae), Labcorp); PubMed 30919934 (cited by Labcorp Genetics (formerly Invitae), Labcorp); PubMed 39678382 (cited by Labcorp Genetics (formerly Invitae), Labcorp).

NM_213599.3(ANO5):c.1767C>A (p.Tyr589Ter)

Gene: ANO5 (anoctamin 5; plus strand). Cytogenetic location: 11p14.3.
Variant type: single nucleotide variant.
Coding change: c.1767C>A on transcript NM_213599.3 (MANE Select); coding-DNA position 1767, C replaced by A.
Protein change: p.Tyr589Ter; replaces tyrosine 589 with a stop codon.
Molecular consequence: nonsense.
Genome position (GRCh38, 1-based): chr11:22,262,265, C>A. VCF-style: chr11-22262265-C-A. GRCh37 (hg19) VCF-style: chr11-22283811-C-A.
Other names: c.1764C>A, p.Tyr588Ter (NM_001142649.2); short protein forms Y589*, Y588*.
Identifiers: ClinVar variation 502588 (VCV000502588.7), dbSNP rs188150039, ClinGen allele CA379922771.